The following is an entry in ClinVar:

NM_004963.4(GUCY2C):c.1814A>C (p.His605Pro)

Gene: GUCY2C (guanylate cyclase 2C; minus strand). Cytogenetic location: 12p12.3.
Variant type: single nucleotide variant.
Coding change: c.1814A>C on transcript NM_004963.4 (MANE Select); coding-DNA position 1814, A replaced by C.
Protein change: p.His605Pro; replaces histidine 605 with proline.
Molecular consequence: missense variant.
Genome position (GRCh38, 1-based): chr12:14,643,690, T>G on the plus strand (A>C on the coding strand, the complement: GUCY2C is on the minus strand). VCF-style: chr12-14643690-T-G. GRCh37 (hg19) VCF-style: chr12-14796624-T-G.
Other names: short protein forms H605P.
Identifiers: ClinVar variation 3675371 (VCV003675371.2).

ClinVar aggregate classification (germline): Uncertain significance (1 of 4 stars; one submission).

gnomAD v4.1: 7 of 1,612,924 alleles (0.00043%); highest among the groups gnomAD compares: East Asian, 0.016%; no homozygotes.

Submission:

Labcorp Genetics (formerly Invitae), Labcorp
Classification: Uncertain significance. Last evaluated: 2024-07-23. Review status: criteria provided, single submitter. Criteria: Invitae Variant Classification Sherloc (09022015). Collection method: clinical testing. Allele origin: germline.
Comment: This sequence change replaces histidine, which is basic and polar, with proline, which is neutral and non-polar, at codon 605 of the GUCY2C protein (p.His605Pro). This variant is present in population databases (rs748555047, gnomAD 0.03%). This variant has not been reported in the literature in individuals affected with GUCY2C-related conditions. Advanced modeling of protein sequence and biophysical properties (such as structural, functional, and spatial information, amino acid conservation, physicochemical variation, residue mobility, and thermodynamic stability) performed at Invitae indicates that this missense variant is expected to disrupt GUCY2C protein function with a positive predictive value of 80%. In summary, the available evidence is currently insufficient to determine the role of this variant in disease. Therefore, it has been classified as a Variant of Uncertain Significance.